The following is an entry in ClinVar:

NM_000218.3(KCNQ1):c.1394-35109G>A

Genes: KCNQ1 (potassium voltage-gated channel subfamily Q member 1; plus strand), KCNQ1OT1 (KCNQ1 opposite strand/antisense transcript 1; minus strand). Cytogenetic location: 11p15.5.
Variant type: single nucleotide variant.
Coding change: c.1394-35109G>A on transcript NM_000218.3 (MANE Select); 35109 bases into the intron before coding-DNA position 1394, G replaced by A.
Molecular consequence: intron variant. On other transcripts: non-coding transcript variant (1).
Genome position (GRCh38, 1-based): chr11:2,626,852, G>A. VCF-style: chr11-2626852-G-A. GRCh37 (hg19) VCF-style: chr11-2648082-G-A.
Other names: c.1124-35109G>A (NM_001406837.1); c.1298-35109G>A (NM_001406836.1); c.854-35109G>A (NM_001406838.1); c.1013-35109G>A (NM_181798.2).
Identifiers: ClinVar variation 4822314 (VCV004822314.4).

ClinVar aggregate classification (germline): Benign (1 of 4 stars; one submission).

gnomAD v4.1: 677 of 398,572 alleles (0.17%); highest among the groups gnomAD compares: African/African-American, 1.2%; 6 homozygotes.

Submission:

CeGaT Center for Human Genetics Tuebingen
Classification: Benign. Last evaluated: 2026-09-01. Review status: criteria provided, single submitter. Criteria: CeGaT Center For Human Genetics Tuebingen Variant Classification Criteria Version 2. Collection method: clinical testing. Allele origin: germline. Affected: yes. Observed: 3 variant alleles.
Comment: KCNQ1OT1: BS1, BS2